The following is an entry in ClinVar:

NM_005918.4(MDH2):c.282T>A (p.Asp94Glu)

Gene: MDH2 (malate dehydrogenase 2; plus strand). Cytogenetic location: 7q11.23.
Variant type: single nucleotide variant.
Coding change: c.282T>A on transcript NM_005918.4 (MANE Select); coding-DNA position 282, T replaced by A.
Protein change: p.Asp94Glu; replaces aspartic acid 94 with glutamic acid.
Molecular consequence: missense variant. On other transcripts: 5 prime UTR variant (1).
Genome position (GRCh38, 1-based): chr7:76,057,456, T>A. VCF-style: chr7-76057456-T-A. GRCh37 (hg19) VCF-style: chr7-75686774-T-A.
Other names: c.282T>A, p.Asp94Glu (NM_001282403.2); c.-40T>A (NM_001282404.2); short protein forms D94E.
Identifiers: ClinVar variation 1951979 (VCV001951979.4), dbSNP rs1360053717, ClinGen allele CA367763474.

ClinVar aggregate classification (germline): Uncertain significance (1 of 4 stars; one submission).

Allele frequency attached by ClinVar (database versions not stated): gnomAD exomes 0.00001; TOPMed 0.00001.

Submission:

Labcorp Genetics (formerly Invitae), Labcorp
Classification: Uncertain significance. Last evaluated: 2024-10-24. Review status: criteria provided, single submitter. Criteria: Invitae Variant Classification Sherloc (09022015). Collection method: clinical testing. Allele origin: germline.
Comment: This sequence change replaces aspartic acid, which is acidic and polar, with glutamic acid, which is acidic and polar, at codon 94 of the MDH2 protein (p.Asp94Glu). This variant is present in population databases (no rsID available, gnomAD 0.006%). This variant has not been reported in the literature in individuals affected with MDH2-related conditions. ClinVar contains an entry for this variant (Variation ID: 1951979). Invitae Evidence Modeling of protein sequence and biophysical properties (such as structural, functional, and spatial information, amino acid conservation, physicochemical variation, residue mobility, and thermodynamic stability) indicates that this missense variant is not expected to disrupt MDH2 protein function with a negative predictive value of 80%. In summary, the available evidence is currently insufficient to determine the role of this variant in disease. Therefore, it has been classified as a Variant of Uncertain Significance.